The following is an entry in ClinVar:

ClinVar aggregate classification (germline): Uncertain significance (1 of 4 stars; one submission).

gnomAD v4.1: 2 of 1,614,132 alleles (0.00012%); highest among the groups gnomAD compares: African/African-American, 0.0027%; no homozygotes.

Submission:

CeGaT Center for Human Genetics Tuebingen
Classification: Uncertain significance. Last evaluated: 2023-05-01. Review status: criteria provided, single submitter. Criteria: CeGaT Center For Human Genetics Tuebingen Variant Classification Criteria Version 2. Collection method: clinical testing. Allele origin: germline. Affected: yes. Observed: 1 variant allele.
Comment: SLC8B1: PM2, BP4

NM_001358345.2(SLC8B1):c.214C>G (p.Pro72Ala)

Gene: SLC8B1 (solute carrier family 8 member B1; minus strand). Cytogenetic location: 12q24.13.
Variant type: single nucleotide variant.
Coding change: c.214C>G on transcript NM_001358345.2 (MANE Select); coding-DNA position 214, C replaced by G.
Protein change: p.Pro72Ala; replaces proline 72 with alanine.
Molecular consequence: missense variant. On other transcripts: non-coding transcript variant (1).
Genome position (GRCh38, 1-based): chr12:113,321,291, G>C on the plus strand (C>G on the coding strand, the complement: SLC8B1 is on the minus strand). VCF-style: chr12-113321291-G-C. GRCh37 (hg19) VCF-style: chr12-113759096-G-C.
Other names: c.214C>G, p.Pro72Ala (NM_001330466.2, NM_024959.4); short protein forms P72A.
Identifiers: ClinVar variation 2643353 (VCV002643353.24), dbSNP rs1956925152, ClinGen allele CA386851834.
Genomic context (GRCh38, chr12:113,321,291, plus strand): 5'-GGAAGTGGCAGAAGATGCCTTCCAGGTAGTCCAGGTACCCCCCATCACTGTGGCAGTCAG[G>C]GTTGGTCCGGATGAAGTCACAGCGGTCAGAGACATTCAGGCCACACACCTTGCGGCACTG-3'
Protein context (NP_001345274.1, residues 62-82): SDRCDFIRTN[Pro72Ala]DCHSDGGYLD